The following is an entry in ClinVar:

NM_001002755.4(NFU1):c.546-16T>C

Gene: NFU1 (NFU1 iron-sulfur cluster scaffold; minus strand). Cytogenetic location: 2p13.3.
Variant type: single nucleotide variant.
Coding change: c.546-16T>C on transcript NM_001002755.4 (MANE Select); 16 bases into the intron before coding-DNA position 546, T replaced by C.
Molecular consequence: intron variant.
Genome position (GRCh38, 1-based): chr2:69,400,554, A>G on the plus strand (T>C on the coding strand, the complement: NFU1 is on the minus strand). VCF-style: chr2-69400554-A-G. GRCh37 (hg19) VCF-style: chr2-69627686-A-G.
Other names: c.474-16T>C (NM_015700.4, NM_001374284.1); c.123-16T>C (NM_001002756.2).
Identifiers: ClinVar variation 667539 (VCV000667539.8), dbSNP rs750424685, ClinGen allele CA1694121.
Genomic context (GRCh38, chr2:69,400,554, plus strand): 5'-AAGCCTTTGTAGATTACATCCCCTCCATCTTCCTGCACAGTTGGCCTGTGAGGTCAAAGA[A>G]TATTTATGACATATTCTTTAAAATACAAGTTTTCATTGAAAAAATTTAATACAGCTCAGA-3'

ClinVar aggregate classification (germline): Likely benign. Review status: criteria provided, multiple submitters, no conflicts (2 of 4 stars). 2 submissions from 2 submitters: Likely benign (2). Last evaluated 2022-08-23.

Conditions:
Multiple mitochondrial dysfunctions syndrome 1 (MMDS1). Identifiers: Orphanet 401869, MedGen C3276432, MONDO:0011582, OMIM 605711.

Allele frequency attached by ClinVar (database versions not stated): gnomAD exomes 0.00002; ExAC 0.00003; gnomAD 0.00003 and 0.00004; TOPMed 0.00004.
gnomAD v4.1: 44 of 1,610,978 alleles (0.0027%); highest among the groups gnomAD compares: Non-Finnish European, 0.0037%; no homozygotes.

Submissions (2):

Labcorp Genetics (formerly Invitae), Labcorp
Classification: Likely benign for Multiple mitochondrial dysfunctions syndrome 1. Last evaluated: 2022-08-23. Review status: criteria provided, single submitter. Criteria: Invitae Variant Classification Sherloc (09022015). Collection method: clinical testing. Allele origin: germline.

GeneDx
Classification: Likely benign. Last evaluated: 2018-05-24. Review status: criteria provided, single submitter. Criteria: GeneDx Variant Classification (06012015). Collection method: clinical testing. Allele origin: germline. Affected: yes.
Comment: This variant is considered likely benign or benign based on one or more of the following criteria: it is a conservative change, it occurs at a poorly conserved position in the protein, it is predicted to be benign by multiple in silico algorithms, and/or has population frequency not consistent with disease.